The following is an entry in ClinVar:

NM_001372051.1(CASP8):c.879T>A (p.Tyr293Ter)

Gene: CASP8 (caspase 8; plus strand). Cytogenetic location: 2q33.1.
Variant type: single nucleotide variant.
Coding change: c.879T>A on transcript NM_001372051.1 (MANE Select); coding-DNA position 879, T replaced by A.
Protein change: p.Tyr293Ter; replaces tyrosine 293 with a stop codon.
Molecular consequence: nonsense. On other transcripts: non-coding transcript variant (22), intron variant (1).
Genome position (GRCh38, 1-based): chr2:201,284,892, T>A. VCF-style: chr2-201284892-T-A. GRCh37 (hg19) VCF-style: chr2-202149615-T-A.
Other names: c.834T>A, p.Tyr278Ter (NM_001080124.2, NM_001400658.1, NM_001400659.1 and 5 more transcripts); c.1056T>A, p.Tyr352Ter (NM_001080125.2); c.930T>A, p.Tyr310Ter (NM_001228.5); c.1011T>A, p.Tyr337Ter (NM_001400642.1); c.912T>A, p.Tyr304Ter (NM_001400645.1); c.879T>A, p.Tyr293Ter (NM_001400648.1, NM_001400651.1, NM_001400653.1 and 5 more transcripts); c.810T>A, p.Tyr270Ter (NM_001400664.1); c.804T>A, p.Tyr268Ter (NM_001400665.1); and 7 more; short protein forms Y293*, Y278*, Y352*, Y310*, Y190*, Y209*, Y224*, Y268*.
Identifiers: ClinVar variation 1394714 (VCV001394714.6), dbSNP rs1457092267, ClinGen allele CA350299128.

ClinVar aggregate classification (germline): Pathogenic (1 of 4 stars; one submission).

Conditions:
Autoimmune lymphoproliferative syndrome type 2B. Also called: AUTOIMMUNE LYMPHOPROLIFERATIVE SYNDROME, TYPE IIB. Identifiers: Orphanet 275517, MedGen C1846545, MONDO:0011804, OMIM 607271.

Allele frequency attached by ClinVar (database versions not stated): gnomAD exomes below 0.00001.
gnomAD v4.1: 2 of 1,613,096 alleles (0.00012%); highest among the groups gnomAD compares: Non-Finnish European, 0.00017%; no homozygotes.

Submission:

Labcorp Genetics (formerly Invitae), Labcorp
Classification: Pathogenic for Autoimmune lymphoproliferative syndrome type 2B. Last evaluated: 2025-06-04. Review status: criteria provided, single submitter. Criteria: Invitae Variant Classification Sherloc (09022015). Collection method: clinical testing. Allele origin: germline.
Comment: This sequence change creates a premature translational stop signal (p.Tyr310*) in the CASP8 gene. It is expected to result in an absent or disrupted protein product. Loss-of-function variants in CASP8 are known to be pathogenic (PMID: 12353035, 25814141). This variant is not present in population databases (gnomAD no frequency). This variant has not been reported in the literature in individuals affected with CASP8-related conditions. ClinVar contains an entry for this variant (Variation ID: 1394714). For these reasons, this variant has been classified as Pathogenic.

Literature cited by the submitters: PubMed 12353035; PubMed 25814141.